The following is an entry in ClinVar:

ClinVar aggregate classification (germline): Uncertain significance (1 of 4 stars; one submission).

Conditions:
Hereditary cancer-predisposing syndrome. Also called: Hereditary neoplastic syndrome; Neoplastic Syndromes, Hereditary; Tumor predisposition; Hereditary Cancer Syndrome. Identifiers: Orphanet 140162, MedGen C0027672, MeSH D009386, MONDO:0015356.

Submission:

Ambry Genetics
Classification: Uncertain significance for Hereditary cancer-predisposing syndrome. Last evaluated: 2025-03-13. Review status: criteria provided, single submitter. Criteria: Ambry Variant Classification Scheme 2023. Collection method: clinical testing. Allele origin: germline.
Comment: The p.D228H variant (also known as c.682G>C), located in coding exon 5 of the CDK4 gene, results from a G to C substitution at nucleotide position 682. The aspartic acid at codon 228 is replaced by histidine, an amino acid with similar properties. This amino acid position is well conserved in available vertebrate species. In addition, this alteration is predicted to be tolerated by in silico analysis. Based on the available evidence, the clinical significance of this variant remains unclear.

NM_000075.4(CDK4):c.682G>C (p.Asp228His)

Genes: TSPAN31 (tetraspanin 31; plus strand), CDK4 (cyclin dependent kinase 4; minus strand). Cytogenetic location: 12q14.1.
Variant type: single nucleotide variant.
Coding change: c.682G>C on transcript NM_000075.4 (MANE Select); coding-DNA position 682, G replaced by C.
Protein change: p.Asp228His; replaces aspartic acid 228 with histidine.
Molecular consequence: missense variant. On other transcripts: 3 prime UTR variant (3).
Genome position (GRCh38, 1-based): chr12:57,749,455, C>G on the plus strand (G>C on the coding strand, the complement: CDK4 is on the minus strand). VCF-style: chr12-57749455-C-G. GRCh37 (hg19) VCF-style: chr12-58143238-C-G.
Other names: c.*2165C>G (NM_001330168.2, NM_001330169.2, NM_005981.5); short protein forms D228H.
Identifiers: ClinVar variation 3830872 (VCV003830872.1).